The following is an entry in ClinVar:

ClinVar aggregate classification (germline): Uncertain significance. Review status: criteria provided, multiple submitters, no conflicts (2 of 4 stars). 2 submissions from 2 submitters: Uncertain significance (2). Last evaluated 2025-02-27.

Conditions:
Cardiovascular phenotype. Identifiers: MedGen CN230736.

Allele frequency attached by ClinVar (database versions not stated): gnomAD exomes below 0.00001.
gnomAD v4.1: 1 of 1,614,028 alleles (0.000062%); highest among the groups gnomAD compares: Admixed American, 0.0017%; no homozygotes.

Submissions (2):

Labcorp Genetics (formerly Invitae), Labcorp
Classification: Uncertain significance. Last evaluated: 2025-02-27. Review status: criteria provided, single submitter. Criteria: Invitae Variant Classification Sherloc (09022015). Collection method: clinical testing. Allele origin: germline.
Comment: This sequence change replaces isoleucine, which is neutral and non-polar, with phenylalanine, which is neutral and non-polar, at codon 776 of the ALPK3 protein (p.Ile776Phe). This variant is present in population databases (no rsID available, gnomAD 0.003%). This variant has not been reported in the literature in individuals affected with ALPK3-related conditions. ClinVar contains an entry for this variant (Variation ID: 1944322). Invitae Evidence Modeling of protein sequence and biophysical properties (such as structural, functional, and spatial information, amino acid conservation, physicochemical variation, residue mobility, and thermodynamic stability) indicates that this missense variant is not expected to disrupt ALPK3 protein function with a negative predictive value of 80%. In summary, the available evidence is currently insufficient to determine the role of this variant in disease. Therefore, it has been classified as a Variant of Uncertain Significance.

Ambry Genetics
Classification: Uncertain significance for Cardiovascular phenotype. Last evaluated: 2023-12-03. Review status: criteria provided, single submitter. Criteria: Ambry Variant Classification Scheme 2023. Collection method: clinical testing. Allele origin: germline.
Comment: The p.I776F variant (also known as c.2326A>T), located in coding exon 6 of the ALPK3 gene, results from an A to T substitution at nucleotide position 2326. The isoleucine at codon 776 is replaced by phenylalanine, an amino acid with highly similar properties. This amino acid position is conserved. In addition, this alteration is predicted to be tolerated by in silico analysis. Since supporting evidence is limited at this time, the clinical significance of this alteration remains unclear.

NM_020778.5(ALPK3):c.1720A>T (p.Ile574Phe)

Gene: ALPK3 (alpha kinase 3; plus strand). Cytogenetic location: 15q25.3.
Variant type: single nucleotide variant.
Coding change: c.1720A>T on transcript NM_020778.5 (MANE Select); coding-DNA position 1720, A replaced by T.
Protein change: p.Ile574Phe; replaces isoleucine 574 with phenylalanine.
Molecular consequence: missense variant.
Genome position (GRCh38, 1-based): chr15:84,856,458, A>T. VCF-style: chr15-84856458-A-T. GRCh37 (hg19) VCF-style: chr15-85399689-A-T.
Other names: c.2326A>T (NM_020778.4); short protein forms I574F.
Identifiers: ClinVar variation 1944322 (VCV001944322.6), dbSNP rs1173462320, ClinGen allele CA393354356.